The following is an entry in ClinVar:

NM_172351.3(CD46):c.673+1G>A

Gene: CD46 (CD46 molecule; plus strand). Cytogenetic location: 1q32.2.
Variant type: single nucleotide variant.
Coding change: c.673+1G>A on transcript NM_172351.3 (MANE Select); the canonical splice donor site of the intron after coding-DNA position 673, G replaced by A.
Molecular consequence: splice donor variant.
Genome position (GRCh38, 1-based): chr1:207,761,447, G>A. VCF-style: chr1-207761447-G-A. GRCh37 (hg19) VCF-style: chr1-207934792-G-A.
Other names: c.673+1G>A (NM_172361.3, NM_002389.4, NM_172359.3 and 8 more transcripts).
Identifiers: ClinVar variation 2065946 (VCV002065946.4), dbSNP rs2526461415, ClinGen allele CA344549639.
Genomic context (GRCh38, chr1:207,761,447, plus strand): 5'-AGAGCACGATTTATTGTGGTGACAATTCAGTGTGGAGTCGTGCTGCTCCAGAGTGTAAAG[G>A]TAGTGTTTCAATTTATTTCCTTCTTCATTTGTAAATACTATGGAAACATTTTGTAAATAG-3'

ClinVar aggregate classification (germline): Likely pathogenic (1 of 4 stars; one submission).

Submission:

Labcorp Genetics (formerly Invitae), Labcorp
Classification: Likely pathogenic. Last evaluated: 2021-12-29. Review status: criteria provided, single submitter. Criteria: Invitae Variant Classification Sherloc (09022015). Collection method: clinical testing. Allele origin: germline.
Comment: In summary, the currently available evidence indicates that the variant is pathogenic, but additional data are needed to prove that conclusively. Therefore, this variant has been classified as Likely Pathogenic. Algorithms developed to predict the effect of sequence changes on RNA splicing suggest that this variant may disrupt the consensus splice site. This variant has not been reported in the literature in individuals affected with CD46-related conditions. This variant is not present in population databases (gnomAD no frequency). This sequence change affects a donor splice site in intron 5 of the CD46 gene. It is expected to disrupt RNA splicing. Variants that disrupt the donor or acceptor splice site typically lead to a loss of protein function (PMID: 16199547), and loss-of-function variants in CD46 are known to be pathogenic (PMID: 16621965, 23431077).

Literature cited by the submitters: PubMed 16199547; PubMed 16621965; PubMed 23431077.